The following is an entry in ClinVar:

NM_003500.4(ACOX2):c.749C>T (p.Thr250Ile)

Gene: ACOX2 (acyl-CoA oxidase 2; minus strand). Cytogenetic location: 3p14.3.
Variant type: single nucleotide variant.
Coding change: c.749C>T on transcript NM_003500.4 (MANE Select); coding-DNA position 749, C replaced by T.
Protein change: p.Thr250Ile; replaces threonine 250 with isoleucine.
Molecular consequence: missense variant.
Genome position (GRCh38, 1-based): chr3:58,531,321, G>A on the plus strand (C>T on the coding strand, the complement: ACOX2 is on the minus strand). VCF-style: chr3-58531321-G-A. GRCh37 (hg19) VCF-style: chr3-58517048-G-A.
Other names: short protein forms T250I.
Identifiers: ClinVar variation 3362352 (VCV003362352.3).

ClinVar aggregate classification (germline): Uncertain significance (1 of 4 stars; one submission).

Conditions:
Congenital bile acid synthesis defect 6. Identifiers: MedGen C4310624, MONDO:0015015, OMIM 617308.

Submission:

Neuberg Centre For Genomic Medicine, NCGM
Classification: Uncertain significance for Congenital bile acid synthesis defect 6. Last evaluated: 2023-05-20. Review status: criteria provided, single submitter. Criteria: ACMG Guidelines, 2015. Collection method: clinical testing. Allele origin: germline. Inheritance: Autosomal recessive inheritance. Affected: yes.
Comment: The missense c.749C>T (p.Thr250Ile) variant in the ACOX2 gene has not been reported previously as a pathogenic variant nor as a benign variant, to our knowledge. This variant is reported with the allele frequency (0.0003%) in the gnomAD Exomes. Multiple lines of computational evidence (Polyphen - Benign, SIFT - Tolerated and MutationTaster - Polymorphism) predict no damaging effect on protein structure and function for this variant. The amino acid Threonine at position 250 is changed to a Isoleucine changing protein sequence and it might alter its composition and physico-chemical properties. For these reasons, this variant has been classified as Uncertain Significance.